The following is an entry in ClinVar:

ClinVar aggregate classification (germline): Pathogenic (1 of 4 stars; one submission).

Submission:

Labcorp Genetics (formerly Invitae), Labcorp
Classification: Pathogenic. Last evaluated: 2023-08-04. Review status: criteria provided, single submitter. Criteria: Invitae Variant Classification Sherloc (09022015). Collection method: clinical testing. Allele origin: germline.
Comment: This variant has not been reported in the literature in individuals affected with PKDCC-related conditions. This variant is a gross deletion of the genomic region encompassing exon(s) 1 of the PKDCC gene, which includes the initiator codon. This deletion extends beyond the assayed region for this gene and therefore may encompass additional genes. It is expected to result in an absent or disrupted protein product. Loss-of-function variants in PKDCC are known to be pathogenic (PMID: 19097194, 30478137). For these reasons, this variant has been classified as Pathogenic.

Literature cited by the submitters: PubMed 19097194; PubMed 30478137.

NC_000002.11:g.(?_42275340)_(42275998_?)del

Gene: PKDCC (protein kinase domain containing, cytoplasmic; plus strand). Cytogenetic location: 2p21.
Variant type: Deletion.
Identifiers: ClinVar variation 1457022 (VCV001457022.5).